The following is an entry in ClinVar:

ClinVar aggregate classification (germline): Conflicting classifications of pathogenicity. Review status: criteria provided, conflicting classifications (1 of 4 stars). 2 submissions from 2 submitters: Pathogenic (1); Uncertain significance (1). Last evaluated 2026-03-21.

Conditions:
Type A2 brachydactyly (BDA2). Also called: BRACHYMESOPHALANGY II; MOHR-WRIEDT TYPE BRACHYDACTYLY; Brachymesophalangy type 2. Identifiers: Orphanet 93396, MedGen C1832702, MONDO:0007216, OMIM 112600, HP:0009372.

Submissions (2):

GeneDx
Classification: Pathogenic. Last evaluated: 2026-03-21. Review status: criteria provided, single submitter. Criteria: GeneDx Variant Classification Process June 2021. Collection method: clinical testing. Allele origin: germline.
Comment: Frameshift variant predicted to result in protein truncation or nonsense mediated decay in a gene for which loss of function is a known mechanism of disease; Not observed at significant frequency in large population cohorts (gnomAD); Has not been previously published as pathogenic or benign to our knowledge

Genomic Medicine Center of Excellence, King Faisal Specialist Hospital and Research Centre
Classification: Uncertain significance for Type A2 brachydactyly. Last evaluated: 2024-03-29. Review status: criteria provided, single submitter. Criteria: ACMG Guidelines, 2015. Collection method: clinical testing. Allele origin: germline.

NM_001200.4(BMP2):c.231del (p.Tyr78fs)

Gene: BMP2 (bone morphogenetic protein 2; plus strand). Cytogenetic location: 20p12.3.
Variant type: Deletion.
Coding change: c.231del on transcript NM_001200.4 (MANE Select); coding-DNA position 231, one base deleted (C; older notation c.231delC).
Protein change: p.Tyr78fs; shifts the reading frame from tyrosine 78.
Molecular consequence: frameshift variant.
Genome position (GRCh38, 1-based): chr20:6,770,357, C deleted; the last of 6 consecutive C bases (chr20:6,770,352-6,770,357); deleting any one gives the same sequence. VCF-style (leftmost placement, unchanged base first): chr20-6770351-GC-G. GRCh37 (hg19) VCF-style: chr20-6750998-GC-G.
Other names: c.231del (NM_001200.2); short protein forms Y78fs.
Identifiers: ClinVar variation 3065565 (VCV003065565.2), dbSNP rs2514530484, ClinGen allele CA2740097979.